The following is an entry in ClinVar:

ClinVar aggregate classification (germline): Likely benign (0 of 4 stars; one submission).

Conditions:
FZD6-related disorder. Also called: FZD6-related condition.

Allele frequency attached by ClinVar (database versions not stated): ExAC 0.00005; gnomAD exomes 0.00007; TOPMed 0.00008.
gnomAD v4.1: 113 of 1,614,042 alleles (0.007%); highest among the groups gnomAD compares: Non-Finnish European, 0.0092%; no homozygotes.

Submission:

PreventionGenetics, part of Exact Sciences
Classification: Likely benign for FZD6-related condition. Last evaluated: 2021-12-20. Review status: no assertion criteria provided. Collection method: clinical testing. Allele origin: germline.
Comment: This variant is classified as likely benign based on ACMG/AMP sequence variant interpretation guidelines (Richards et al. 2015 PMID: 25741868, with internal and published modifications).

NM_003506.4(FZD6):c.1797G>A (p.Glu599=)

Gene: FZD6 (frizzled class receptor 6; plus strand). Cytogenetic location: 8q22.3.
Variant type: single nucleotide variant.
Coding change: c.1797G>A on transcript NM_003506.4 (MANE Select); coding-DNA position 1797, G replaced by A.
Protein change: p.Glu599=; no amino-acid change (glutamic acid 599 retained).
Molecular consequence: synonymous variant. On other transcripts: non-coding transcript variant (1).
Genome position (GRCh38, 1-based): chr8:103,329,910, G>A. VCF-style: chr8-103329910-G-A. GRCh37 (hg19) VCF-style: chr8-104342138-G-A.
Other names: c.1797G>A, p.Glu599= (NM_001164615.2); c.1701G>A, p.Glu567= (NM_001164616.2); c.882G>A, p.Glu294= (NM_001317796.2).
Identifiers: ClinVar variation 3054664 (VCV003054664.2), dbSNP rs758708176, ClinGen allele CA4835010.
Genomic context (GRCh38, chr8:103,329,910, plus strand): 5'-TTACCTAGGACAAGAAACTTTGACAGAAATCCAAACCTCACCAGAAACATCAATGAGAGA[G>A]GTGAAAGCGGACGGAGCTAGCACCCCCAGGTTAAGAGAACAGGACTGTGGTGAACCTGCC-3'
Protein context (NP_003497.2, residues 589-609): IQTSPETSMR[Glu599=]VKADGASTPR